The following is an entry in ClinVar:

NM_020949.3(SLC7A14):c.1631T>C (p.Met544Thr)

Genes: SLC7A14 (solute carrier family 7 member 14; minus strand), SLC7A14-AS1 (SLC7A14 antisense RNA 1; plus strand). Cytogenetic location: 3q26.2.
Variant type: single nucleotide variant.
Coding change: c.1631T>C on transcript NM_020949.3 (MANE Select); coding-DNA position 1631, T replaced by C.
Protein change: p.Met544Thr; replaces methionine 544 with threonine.
Molecular consequence: missense variant.
Genome position (GRCh38, 1-based): chr3:170,480,651, A>G on the plus strand (T>C on the coding strand, the complement: SLC7A14 is on the minus strand). VCF-style: chr3-170480651-A-G. GRCh37 (hg19) VCF-style: chr3-170198440-A-G.
Other names: short protein forms M544T.
Identifiers: ClinVar variation 1460868 (VCV001460868.7), dbSNP rs746457289, ClinGen allele CA2701596.

ClinVar aggregate classification (germline): Uncertain significance. Review status: criteria provided, multiple submitters, no conflicts (2 of 4 stars). 2 submissions from 2 submitters: Uncertain significance (2). Last evaluated 2024-09-23.

Allele frequency attached by ClinVar (database versions not stated): gnomAD exomes below 0.00001; ExAC 0.00002; gnomAD 0.00002; TOPMed 0.00002.
gnomAD v4.1: 9 of 1,614,134 alleles (0.00056%); highest among the groups gnomAD compares: African/African-American, 0.004%; no homozygotes.

Submissions (2):

Labcorp Genetics (formerly Invitae), Labcorp
Classification: Uncertain significance. Last evaluated: 2024-09-23. Review status: criteria provided, single submitter. Criteria: Invitae Variant Classification Sherloc (09022015). Collection method: clinical testing. Allele origin: germline.
Comment: This sequence change replaces methionine, which is neutral and non-polar, with threonine, which is neutral and polar, at codon 544 of the SLC7A14 protein (p.Met544Thr). This variant is present in population databases (rs746457289, gnomAD 0.003%). This variant has not been reported in the literature in individuals affected with SLC7A14-related conditions. ClinVar contains an entry for this variant (Variation ID: 1460868). An algorithm developed to predict the effect of missense changes on protein structure and function (PolyPhen-2) suggests that this variant is likely to be tolerated. In summary, the available evidence is currently insufficient to determine the role of this variant in disease. Therefore, it has been classified as a Variant of Uncertain Significance.

Blueprint Genetics
Classification: Uncertain significance. Last evaluated: 2022-09-08. Review status: criteria provided, single submitter. Criteria: ACMG Guidelines, 2015. Collection method: clinical testing. Allele origin: germline.